The following is an entry in ClinVar:

NM_000343.4(SLC5A1):c.812C>T (p.Thr271Met)

Gene: SLC5A1 (solute carrier family 5 member 1; plus strand). Cytogenetic location: 22q12.3.
Variant type: single nucleotide variant.
Coding change: c.812C>T on transcript NM_000343.4 (MANE Select); coding-DNA position 812, C replaced by T.
Protein change: p.Thr271Met; replaces threonine 271 with methionine.
Molecular consequence: missense variant.
Genome position (GRCh38, 1-based): chr22:32,084,586, C>T. VCF-style: chr22-32084586-C-T. GRCh37 (hg19) VCF-style: chr22-32480573-C-T.
Other names: c.431C>T, p.Thr144Met (NM_001256314.2); short protein forms T271M, T144M.
Identifiers: ClinVar variation 2715176 (VCV002715176.3), dbSNP rs370932142, ClinGen allele CA10198069.

ClinVar aggregate classification (germline): Uncertain significance (1 of 4 stars; one submission).

Conditions:
Congenital glucose-galactose malabsorption (GGM). Also called: MONOSACCHARIDE MALABSORPTION; DIARRHEA 16. Identifiers: Orphanet 35710, MedGen C0268186, MONDO:0011731, OMIM 606824.

Allele frequency attached by ClinVar (database versions not stated): ExAC 0.00001; gnomAD 0.00001; TOPMed 0.00002.

Submission:

Labcorp Genetics (formerly Invitae), Labcorp
Classification: Uncertain significance for Congenital glucose-galactose malabsorption. Last evaluated: 2023-03-02. Review status: criteria provided, single submitter. Criteria: Invitae Variant Classification Sherloc (09022015). Collection method: clinical testing. Allele origin: germline.
Comment: This sequence change replaces threonine, which is neutral and polar, with methionine, which is neutral and non-polar, at codon 271 of the SLC5A1 protein (p.Thr271Met). In summary, the available evidence is currently insufficient to determine the role of this variant in disease. Therefore, it has been classified as a Variant of Uncertain Significance. Advanced modeling of protein sequence and biophysical properties (such as structural, functional, and spatial information, amino acid conservation, physicochemical variation, residue mobility, and thermodynamic stability) performed at Invitae indicates that this missense variant is expected to disrupt SLC5A1 protein function. This variant has not been reported in the literature in individuals affected with SLC5A1-related conditions. This variant is present in population databases (rs370932142, gnomAD 0.0009%).